The following is an entry in ClinVar:

NM_002474.3(MYH11):c.5489_5497del (p.Val1830_Gln1832del)

Genes: MYH11 (myosin heavy chain 11; minus strand), NDE1 (nudE neurodevelopment protein 1; plus strand). Cytogenetic location: 16p13.11.
Variant type: Deletion.
Coding change: c.5489_5497del on transcript NM_002474.3 (MANE Select); coding-DNA positions 5489 to 5497, 9 bases deleted (TCGAGCAGG; older notation c.5489_5497delTCGAGCAGG).
Protein change: p.Val1830_Gln1832del.
Molecular consequence: inframe deletion. On other transcripts: intron variant (2).
Genome position (GRCh38, 1-based): chr16:15,717,147-15,717,155, CCTGCTCGA deleted on the plus strand (TCGAGCAGG on the coding strand, the reverse complement: MYH11 is on the minus strand); deleting any 9 consecutive bases within chr16:15,717,147-15,717,162 gives the same sequence; the c. name uses the placement nearest the transcript's 3' end. VCF-style (leftmost placement, unchanged base first): chr16-15717146-TCCTGCTCGA-T. GRCh37 (hg19) VCF-style: chr16-15811003-TCCTGCTCGA-T.
Other names: c.5510_5518del, p.Val1837_Gln1839del (NM_001040113.2, NM_001040114.2); c.5489_5497del, p.Val1830_Gln1832del (NM_022844.3); c.948-7037_948-7029del (NM_001143979.2, NM_017668.3).
Identifiers: ClinVar variation 923812 (VCV000923812.3), dbSNP rs2040197454, ClinGen allele CA1139664566.

ClinVar aggregate classification (germline): Uncertain significance (1 of 4 stars; one submission).

Conditions:
Familial thoracic aortic aneurysm and aortic dissection (TAAD). Also called: Thoracic aortic aneurysms and dissections. Identifiers: Orphanet 91387, MedGen C4707243, MONDO:0019625.

Submission:

Color Diagnostics, LLC DBA Color Health
Classification: Uncertain significance for Familial thoracic aortic aneurysm and aortic dissection. Last evaluated: 2019-12-10. Review status: criteria provided, single submitter. Criteria: ACMG Guidelines, 2015. Collection method: clinical testing. Allele origin: germline.
Comment: This variant causes an in-frame deletion of three amino acids (p.Val1837_Gln1839del) in the MYH11 protein. Splice site prediction tools suggest that this variant may not impact RNA splicing. To our knowledge, functional studies have not been performed for this variant. This variant has not been reported in individuals affected with cardiovascular disorders in the literature. This variant has not been identified in the general population by the Genome Aggregation Database (gnomAD). The available evidence is insufficient to determine the role of this variant in disease conclusively. Therefore, this variant is classified as a Variant of Uncertain Significance.